The following is an entry in ClinVar:

NM_000540.3(RYR1):c.14061G>A (p.Leu4687=)

Gene: RYR1 (ryanodine receptor 1; plus strand). Cytogenetic location: 19q13.2.
Variant type: single nucleotide variant.
Coding change: c.14061G>A on transcript NM_000540.3 (MANE Select); coding-DNA position 14061, G replaced by A.
Protein change: p.Leu4687=; no amino-acid change (leucine 4687 retained).
Molecular consequence: synonymous variant.
Genome position (GRCh38, 1-based): chr19:38,573,239, G>A. VCF-style: chr19-38573239-G-A. GRCh37 (hg19) VCF-style: chr19-39063879-G-A.
Other names: c.14046G>A, p.Leu4682= (NM_001042723.2).
Identifiers: ClinVar variation 199237 (VCV000199237.27), dbSNP rs201629205, ClinGen allele CA024102.
Genomic context (GRCh38, chr19:38,573,239, plus strand): 5'-GCCCCTGGTAATCTTTAAGCGGGAGAAGGAGCTGGCCCGGAAGCTGGAGTTTGATGGCCT[G>A]TACATCACGGAGCAGCCTGAGGACGATGACGTGAAGGGGCAGTGGGACCGACTGGTGCTC-3'
Protein context (NP_000531.2, residues 4677-4697): ELARKLEFDG[Leu4687=]YITEQPEDDD

ClinVar aggregate classification (germline): Benign/Likely benign. Review status: criteria provided, multiple submitters, no conflicts (2 of 4 stars). 6 submissions from 6 submitters: Benign (2); Likely benign (4). Last evaluated 2026-01-17.

Conditions:
RYR1-related disorder. Also called: RYR1-related condition; RYR1-related disorders. Identifiers: MedGen CN239331.
Malignant hyperthermia, susceptibility to, 1 (MHS1). Also called: RYR1-Related Malignant Hyperthermia Susceptibility; Anesthesia related hyperthermia; Malignant hyperpyrexia; Fulminating hyperpyrexia; Pharmacogenic myopathy; Malignant hyperthermia suceptibility 1. Identifiers: Orphanet 423, MedGen C2930980, MONDO:0007783, OMIM 145600.

Allele frequency attached by ClinVar (database versions not stated): gnomAD exomes 0.00010 and 0.00038; gnomAD 0.00017 and 0.00031; TOPMed 0.00023; ExAC 0.00031; 1000 Genomes Project 0.00280; 1000 Genomes Project 30x 0.00281.
gnomAD v4.1: 237 of 1,614,026 alleles (0.015%); highest among the groups gnomAD compares: East Asian, 0.32%; 3 homozygotes.

Submissions (6):

Labcorp Genetics (formerly Invitae), Labcorp
Classification: Benign for RYR1-related disorder. Last evaluated: 2026-01-17. Review status: criteria provided, single submitter. Criteria: Invitae Variant Classification Sherloc (09022015). Collection method: clinical testing. Allele origin: germline.

Blueprint Genetics
Classification: Likely benign. Last evaluated: 2024-10-21. Review status: criteria provided, single submitter. Criteria: ACMG Guidelines, 2015. Collection method: clinical testing. Allele origin: germline.

All of Us Research Program, National Institutes of Health
Classification: Likely benign for Malignant hyperthermia, susceptibility to, 1. Last evaluated: 2024-02-05. Review status: criteria provided, single submitter. Criteria: ACMG Guidelines, 2015. Collection method: clinical testing. Allele origin: germline. Inheritance: Autosomal dominant inheritance. Observed: 48 variant alleles, 47 heterozygotes, 1 homozygote.
Comment: This study involves interpretation of variants in research participants for the purpose of population health screening. Participant phenotype was not available at the time of variant classification. Additional details can be found in publication PMID: 35346344, PMCID: PMC8962531

Color Diagnostics, LLC DBA Color Health
Classification: Likely benign for Malignant hyperthermia, susceptibility to, 1. Last evaluated: 2022-04-29. Review status: criteria provided, single submitter. Criteria: ACMG Guidelines, 2015. Collection method: clinical testing. Allele origin: germline.

PreventionGenetics, part of Exact Sciences
Classification: Benign. Last evaluated: 2018-01-23. Review status: criteria provided, single submitter. Criteria: ACMG Guidelines, 2015. Collection method: clinical testing. Allele origin: germline.

Eurofins Ntd Llc (ga)
Classification: Likely benign. Last evaluated: 2015-02-05. Review status: criteria provided, single submitter. Criteria: EGL Classification Definitions 2015. Collection method: clinical testing. Allele origin: germline. Observed: 1 variant allele, 1 heterozygote.